The following is an entry in ClinVar:

NM_006914.4(RORB):c.10C>G (p.Gln4Glu)

Gene: RORB (RAR related orphan receptor B; plus strand). Cytogenetic location: 9q21.13.
Variant type: single nucleotide variant.
Coding change: c.10C>G on transcript NM_006914.4 (MANE Select); coding-DNA position 10, C replaced by G.
Protein change: p.Gln4Glu; replaces glutamine 4 with glutamic acid.
Molecular consequence: missense variant.
Genome position (GRCh38, 1-based): chr9:74,630,284, C>G. VCF-style: chr9-74630284-C-G. GRCh37 (hg19) VCF-style: chr9-77245200-C-G.
Other names: c.43C>G, p.Gln15Glu (NM_001365023.1); short protein forms Q4E, Q15E.
Identifiers: ClinVar variation 3685228 (VCV003685228.2).

ClinVar aggregate classification (germline): Uncertain significance (1 of 4 stars; one submission).

gnomAD v4.1: 1 of 1,612,428 alleles (0.000062%); highest among the groups gnomAD compares: Non-Finnish European, 0.000085%; no homozygotes.

Submission:

Labcorp Genetics (formerly Invitae), Labcorp
Classification: Uncertain significance. Last evaluated: 2025-08-11. Review status: criteria provided, single submitter. Criteria: Invitae Variant Classification Sherloc (09022015). Collection method: clinical testing. Allele origin: germline.
Comment: This sequence change replaces glutamine, which is neutral and polar, with glutamic acid, which is acidic and polar, at codon 4 of the RORB protein (p.Gln4Glu). This variant is not present in population databases (gnomAD no frequency). This variant has not been reported in the literature in individuals affected with RORB-related conditions. ClinVar contains an entry for this variant (Variation ID: 3685228). An algorithm developed to predict the effect of missense changes on protein structure and function (PolyPhen-2) suggests that this variant is likely to be disruptive. Algorithms developed to predict the effect of sequence changes on RNA splicing suggest that this variant may create or strengthen a splice site. In summary, the available evidence is currently insufficient to determine the role of this variant in disease. Therefore, it has been classified as a Variant of Uncertain Significance.